The following is an entry in ClinVar:

ClinVar aggregate classification (germline): Uncertain significance (1 of 4 stars; one submission).

Submission:

Labcorp Genetics (formerly Invitae), Labcorp
Classification: Uncertain significance. Last evaluated: 2024-02-16. Review status: criteria provided, single submitter. Criteria: Invitae Variant Classification Sherloc (09022015). Collection method: clinical testing. Allele origin: germline.
Comment: This sequence change replaces alanine, which is neutral and non-polar, with threonine, which is neutral and polar, at codon 72 of the FOCAD protein (p.Ala72Thr). This variant is not present in population databases (gnomAD no frequency). This variant has not been reported in the literature in individuals affected with FOCAD-related conditions. Experimental studies and prediction algorithms are not available or were not evaluated, and the functional significance of this variant is currently unknown. In summary, the available evidence is currently insufficient to determine the role of this variant in disease. Therefore, it has been classified as a Variant of Uncertain Significance.

NM_001375567.1(FOCAD):c.214G>A (p.Ala72Thr)

Gene: FOCAD (focadhesin; plus strand). Cytogenetic location: 9p21.3.
Variant type: single nucleotide variant.
Coding change: c.214G>A on transcript NM_001375567.1 (MANE Select); coding-DNA position 214, G replaced by A.
Protein change: p.Ala72Thr; replaces alanine 72 with threonine.
Molecular consequence: missense variant.
Genome position (GRCh38, 1-based): chr9:20,720,461, G>A. VCF-style: chr9-20720461-G-A. GRCh37 (hg19) VCF-style: chr9-20720460-G-A.
Other names: c.214G>A, p.Ala72Thr (NM_001375568.1, NM_001375570.1, NM_017794.5); short protein forms A72T.
Identifiers: ClinVar variation 3631473 (VCV003631473.2).